The following is an entry in ClinVar:

ClinVar aggregate classification (germline): Uncertain significance. Review status: criteria provided, multiple submitters, no conflicts (2 of 4 stars). 5 submissions from 5 submitters: Uncertain significance (5). Last evaluated 2024-11-04.

Conditions:
Inborn genetic diseases. Identifiers: MedGen C0950123, MeSH D030342.
Acrocallosal syndrome (ACLS). Also called: HALLUX DUPLICATION, POSTAXIAL POLYDACTYLY, AND ABSENCE OF CORPUS CALLOSUM; Schinzel syndrome 1; Absence of corpus callosum with unusual facial appearance, mental deficiency, duplication of the halluces and polydactyly. Identifiers: Orphanet 36, MedGen C0796147, MONDO:0008708, OMIM 200990.

Allele frequency attached by ClinVar (database versions not stated): TOPMed 0.00014; gnomAD 0.00015.
gnomAD v4.1: 90 of 1,613,696 alleles (0.0056%); highest among the groups gnomAD compares: African/African-American, 0.032%; no homozygotes.

Submissions (5):

Labcorp Genetics (formerly Invitae), Labcorp
Classification: Uncertain significance for Acrocallosal syndrome. Last evaluated: 2024-11-04. Review status: criteria provided, single submitter. Criteria: Invitae Variant Classification Sherloc (09022015). Collection method: clinical testing. Allele origin: germline.
Comment: This sequence change replaces arginine, which is basic and polar, with glutamine, which is neutral and polar, at codon 809 of the KIF7 protein (p.Arg809Gln). This variant is present in population databases (rs758378987, gnomAD 0.1%). This variant has not been reported in the literature in individuals affected with KIF7-related conditions. ClinVar contains an entry for this variant (Variation ID: 317355). Invitae Evidence Modeling of protein sequence and biophysical properties (such as structural, functional, and spatial information, amino acid conservation, physicochemical variation, residue mobility, and thermodynamic stability) indicates that this missense variant is not expected to disrupt KIF7 protein function with a negative predictive value of 80%. In summary, the available evidence is currently insufficient to determine the role of this variant in disease. Therefore, it has been classified as a Variant of Uncertain Significance.

GeneDx
Classification: Uncertain significance. Last evaluated: 2023-10-23. Review status: criteria provided, single submitter. Criteria: GeneDx Variant Classification Process June 2021. Collection method: clinical testing. Allele origin: germline. Affected: yes.
Comment: In silico analysis supports that this missense variant does not alter protein structure/function; Has not been previously published as pathogenic or benign to our knowledge

Ambry Genetics
Classification: Uncertain significance for Inborn genetic diseases. Last evaluated: 2022-05-20. Review status: criteria provided, single submitter. Criteria: Ambry Variant Classification Scheme 2023. Collection method: clinical testing. Allele origin: germline.

Illumina Laboratory Services, Illumina
Classification: Uncertain significance for Acrocallosal syndrome. Last evaluated: 2018-01-12. Review status: criteria provided, single submitter. Criteria: ICSL Variant Classification Criteria 13 December 2019. Collection method: clinical testing. Allele origin: germline.

Eurofins Ntd Llc (ga)
Classification: Uncertain significance. Last evaluated: 2017-12-27. Review status: criteria provided, single submitter. Criteria: EGL Classification Definitions 2015. Collection method: clinical testing. Allele origin: germline. Observed: 1 variant allele, 1 heterozygote.

NM_198525.3(KIF7):c.2426G>A (p.Arg809Gln)

Gene: KIF7 (kinesin family member 7; minus strand). Cytogenetic location: 15q26.1.
Variant type: single nucleotide variant.
Coding change: c.2426G>A on transcript NM_198525.3 (MANE Select); coding-DNA position 2426, G replaced by A.
Protein change: p.Arg809Gln; replaces arginine 809 with glutamine.
Molecular consequence: missense variant.
Genome position (GRCh38, 1-based): chr15:89,633,852, C>T on the plus strand (G>A on the coding strand, the complement: KIF7 is on the minus strand). VCF-style: chr15-89633852-C-T. GRCh37 (hg19) VCF-style: chr15-90177083-C-T.
Other names: short protein forms R809Q.
Identifiers: ClinVar variation 317355 (VCV000317355.14), dbSNP rs758378987, ClinGen allele CA7728159.